The following is an entry in ClinVar:

ClinVar aggregate classification (germline): Uncertain significance. Review status: criteria provided, multiple submitters, no conflicts (2 of 4 stars). 3 submissions from 3 submitters: Uncertain significance (3). Last evaluated 2025-11-16.

Conditions:
Hereditary cancer-predisposing syndrome. Also called: Neoplastic Syndromes, Hereditary; Hereditary neoplastic syndrome; Hereditary Cancer Syndrome; Tumor predisposition. Identifiers: Orphanet 140162, MedGen C0027672, MeSH D009386, MONDO:0015356.
POLD1-related polyposis and colorectal cancer syndrome (CRCS10). Also called: Colorectal cancer, susceptibility to, 10; Colorectal cancer 10; COLORECTAL CANCER, SUSCEPTIBILITY TO, ON CHROMOSOME 19q. Identifiers: Orphanet 220460, MedGen C2675481, MONDO:0012953, OMIM 612591.

Allele frequency attached by ClinVar (database versions not stated): gnomAD below 0.00001 and 0.00001; TOPMed below 0.00001.
gnomAD v4.1: 11 of 1,561,750 alleles (0.0007%); highest among the groups gnomAD compares: South Asian, 0.012%; no homozygotes.

Submissions (3):

Labcorp Genetics (formerly Invitae), Labcorp
Classification: Uncertain significance for POLD1-related polyposis and colorectal cancer syndrome. Last evaluated: 2025-11-16. Review status: criteria provided, single submitter. Criteria: Invitae Variant Classification Sherloc (09022015). Collection method: clinical testing. Allele origin: germline.
Comment: This sequence change replaces alanine, which is neutral and non-polar, with glycine, which is neutral and non-polar, at codon 930 of the POLD1 protein (p.Ala930Gly). This variant is not present in population databases (gnomAD no frequency). This variant has not been reported in the literature in individuals affected with POLD1-related conditions. ClinVar contains an entry for this variant (Variation ID: 408111). Invitae Evidence Modeling of protein sequence and biophysical properties (such as structural, functional, and spatial information, amino acid conservation, physicochemical variation, residue mobility, and thermodynamic stability) indicates that this missense variant is not expected to disrupt POLD1 protein function with a negative predictive value of 80%. In summary, the available evidence is currently insufficient to determine the role of this variant in disease. Therefore, it has been classified as a Variant of Uncertain Significance.

Ambry Genetics
Classification: Uncertain significance for Hereditary cancer-predisposing syndrome. Last evaluated: 2025-03-10. Review status: criteria provided, single submitter. Criteria: Ambry Variant Classification Scheme 2023. Collection method: clinical testing. Allele origin: germline.
Comment: The p.A930G variant (also known as c.2789C>G), located in coding exon 21 of the POLD1 gene, results from a C to G substitution at nucleotide position 2789. The alanine at codon 930 is replaced by glycine, an amino acid with similar properties. This amino acid position is conserved. In addition, this alteration is predicted to be tolerated by in silico analysis. Based on the available evidence, the clinical significance of this variant remains unclear.

Neuberg Centre For Genomic Medicine, NCGM
Classification: Uncertain significance for POLD1-related polyposis and colorectal cancer syndrome. Review status: criteria provided, single submitter. Criteria: ACMG Guidelines, 2015. Collection method: clinical testing. Allele origin: germline. Inheritance: Autosomal dominant inheritance. Affected: yes.
Comment: The missense variant in c.2867C>G (p.Ala956Gly) in POLD1 gene has not been reported previously as a pathogenic variant nor as a benign variant, to our knowledge. The p.Ala956Gly variant is novel (not in any individuals) in gnomAD Exomes and 1000 Genomes. The amino acid Ala at position 956 is changed to a Gly changing protein sequence and it might alter its composition and physico-chemical properties. This variant has been reported to the ClinVar database as Uncertain_significance. In silico tools predict the variant to be tolerated. The residue is conserved across species. The amino acid change p.Ala956Gly in POLD1 is predicted as conserved by GERP++ and PhyloP across 100 vertebrates. For these reasons, this variant has been classified as Uncertain Significance.

NM_002691.4(POLD1):c.2789C>G (p.Ala930Gly)

Gene: POLD1 (DNA polymerase delta 1, catalytic subunit; plus strand). Cytogenetic location: 19q13.33.
Variant type: single nucleotide variant.
Coding change: c.2789C>G on transcript NM_002691.4 (MANE Select); coding-DNA position 2789, C replaced by G.
Protein change: p.Ala930Gly; replaces alanine 930 with glycine.
Molecular consequence: missense variant.
Genome position (GRCh38, 1-based): chr19:50,415,795, C>G. VCF-style: chr19-50415795-C-G. GRCh37 (hg19) VCF-style: chr19-50919052-C-G.
Other names: c.2867C>G, p.Ala956Gly (LRG_785t2, NM_001308632.1); c.2789C>G, p.Ala930Gly (LRG_785t1, NM_001256849.1); c.2789C>G (NM_002691.2); short protein forms A956G, A930G.
Identifiers: ClinVar variation 408111 (VCV000408111.8), dbSNP rs1060501855, ClinGen allele CA16616401.
Genomic context (GRCh38, chr19:50,415,795, plus strand): 5'-GGGACCCCGGGAGTGCGCCCAGCCTGGGCGACCGCGTCCCCTACGTGATCATCAGTGCCG[C>G]CAAGGGTGTGGCCGCCTACATGAAGTCGGAGGTCAGGCCCACCTGGCTGCCTGCTCCCGC-3'
Protein context (NP_002682.2, residues 920-940): DRVPYVIISA[Ala930Gly]KGVAAYMKSE